The following is an entry in ClinVar:

NM_003742.4(ABCB11):c.282C>T (p.Asp94=)

Gene: ABCB11 (ATP binding cassette subfamily B member 11; minus strand). Cytogenetic location: 2q31.1.
Variant type: single nucleotide variant.
Coding change: c.282C>T on transcript NM_003742.4 (MANE Select); coding-DNA position 282, C replaced by T.
Protein change: p.Asp94=; no amino-acid change (aspartic acid 94 retained).
Molecular consequence: synonymous variant.
Genome position (GRCh38, 1-based): chr2:169,013,379, G>A on the plus strand (C>T on the coding strand, the complement: ABCB11 is on the minus strand). VCF-style: chr2-169013379-G-A. GRCh37 (hg19) VCF-style: chr2-169869889-G-A.
Other names: c.282C>T (NM_003742.2).
Identifiers: ClinVar variation 1099345 (VCV001099345.12), dbSNP rs775605577, ClinGen allele CA1951928.

ClinVar aggregate classification (germline): Likely benign. Review status: criteria provided, multiple submitters, no conflicts (2 of 4 stars). 4 submissions from 4 submitters: Likely benign (3). 1 of the submissions does not count toward it. Last evaluated 2025-05-28.

Conditions:
Progressive familial intrahepatic cholestasis type 2. Identifiers: Orphanet 79304, MedGen C3489789, MONDO:0011156, OMIM 601847.
ABCB11-related disorder. Also called: ABCB11-related condition.

Allele frequency attached by ClinVar (database versions not stated): gnomAD exomes 0.00003 and 0.00005; TOPMed 0.00003; ExAC 0.00005; gnomAD 0.00005.
gnomAD v4.1: 45 of 1,613,654 alleles (0.0028%); highest among the groups gnomAD compares: East Asian, 0.011%; 1 homozygote.

Submissions (4):

PreventionGenetics, part of Exact Sciences
Classification: Likely benign for ABCB11-related condition. Last evaluated: 2025-05-28. Review status: criteria provided, single submitter. Criteria: ACMG Guidelines, 2015. Collection method: clinical testing. Allele origin: germline.
Comment: This variant is classified as likely benign based on ACMG/AMP sequence variant interpretation guidelines (Richards et al. 2015 PMID: 25741868, with internal and published modifications).

Blueprint Genetics
Classification: Likely benign. Last evaluated: 2024-11-21. Review status: criteria provided, single submitter. Criteria: ACMG Guidelines, 2015. Collection method: clinical testing. Allele origin: germline.

Labcorp Genetics (formerly Invitae), Labcorp
Classification: Likely benign. Last evaluated: 2024-10-21. Review status: criteria provided, single submitter. Criteria: Invitae Variant Classification Sherloc (09022015). Collection method: clinical testing. Allele origin: germline.

Natera, Inc.
Classification: Likely benign for Progressive familial intrahepatic cholestasis type 2. Last evaluated: 2020-04-10. Review status: no assertion criteria provided. Collection method: clinical testing. Allele origin: germline. Not counted in ClinVar's aggregate classification.